The following is an entry in ClinVar:

ClinVar aggregate classification (germline): Uncertain significance (1 of 4 stars; one submission).

Conditions:
Long QT syndrome (LQTS). Identifiers: MedGen C0023976, MeSH D008133, MONDO:0002442. Disease mechanism: loss of function. Inheritance: Various modes of inheritance.

gnomAD v4.1: 1 of 1,613,768 alleles (0.000062%); highest among the groups gnomAD compares: Non-Finnish European, 0.000085%; no homozygotes.

Submission:

Labcorp Genetics (formerly Invitae), Labcorp
Classification: Uncertain significance for Long QT syndrome. Last evaluated: 2025-10-22. Review status: criteria provided, single submitter. Criteria: Invitae Variant Classification Sherloc (09022015). Collection method: clinical testing. Allele origin: germline.
Comment: This sequence change replaces serine, which is neutral and polar, with proline, which is neutral and non-polar, at codon 1751 of the CACNA1C protein (p.Ser1751Pro). This variant is not present in population databases (gnomAD no frequency). This variant has not been reported in the literature in individuals affected with CACNA1C-related conditions. Invitae Evidence Modeling of protein sequence and biophysical properties (such as structural, functional, and spatial information, amino acid conservation, physicochemical variation, residue mobility, and thermodynamic stability) indicates that this missense variant is not expected to disrupt CACNA1C protein function with a negative predictive value of 95%. In summary, the available evidence is currently insufficient to determine the role of this variant in disease. Therefore, it has been classified as a Variant of Uncertain Significance.

NM_000719.7(CACNA1C):c.5251T>C (p.Ser1751Pro)

Genes: CACNA1C (calcium voltage-gated channel subunit alpha1 C; plus strand), CACNA1C-AS1 (CACNA1C antisense RNA 1; minus strand). Cytogenetic location: 12p13.33.
Variant type: single nucleotide variant.
Coding change: c.5251T>C on transcript NM_000719.7 (MANE Select); coding-DNA position 5251, T replaced by C.
Protein change: p.Ser1751Pro; replaces serine 1751 with proline.
Molecular consequence: missense variant.
Genome position (GRCh38, 1-based): chr12:2,679,603, T>C. VCF-style: chr12-2679603-T-C. GRCh37 (hg19) VCF-style: chr12-2788769-T-C.
Other names: c.5395T>C, p.Ser1799Pro (NM_001129827.2, NM_199460.4); c.5374T>C, p.Ser1792Pro (NM_001129829.2); c.5251T>C, p.Ser1751Pro (NM_001129830.3, NM_001129840.2, NM_001129841.2 and 4 more transcripts); c.5335T>C, p.Ser1779Pro (NM_001129831.2); c.5311T>C, p.Ser1771Pro (NM_001129832.2); c.5308T>C, p.Ser1770Pro (NM_001129833.2, NM_001129834.2, NM_001129835.2); c.5302T>C, p.Ser1768Pro (NM_001129836.2); c.5275T>C, p.Ser1759Pro (NM_001129837.2, NM_001129838.2); and 3 more; short protein forms S1740P, S1748P, S1751P, S1757P, S1759P, S1768P, S1770P, S1771P.
Identifiers: ClinVar variation 4810600 (VCV004810600.1).